The following is an entry in ClinVar:

NM_000245.4(MET):c.352A>T (p.Met118Leu)

Gene: MET (MET proto-oncogene, receptor tyrosine kinase; plus strand). Cytogenetic location: 7q31.2.
Variant type: single nucleotide variant.
Coding change: c.352A>T on transcript NM_000245.4 (MANE Select); coding-DNA position 352, A replaced by T.
Protein change: p.Met118Leu; replaces methionine 118 with leucine.
Molecular consequence: missense variant. On other transcripts: intron variant (1).
Genome position (GRCh38, 1-based): chr7:116,699,436, A>T. VCF-style: chr7-116699436-A-T. GRCh37 (hg19) VCF-style: chr7-116339490-A-T.
Other names: c.352A>T, p.Met118Leu (NM_001127500.3, NM_001324401.3); c.-91+26859A>T (NM_001324402.2); short protein forms M118L.
Identifiers: ClinVar variation 3625202 (VCV003625202.2).

ClinVar aggregate classification (germline): Uncertain significance (1 of 4 stars; one submission).

Conditions:
Renal cell carcinoma. Identifiers: Orphanet 217071, MedGen C0007134, MeSH D002292, MONDO:0005086, HP:0005584.

Submission:

Labcorp Genetics (formerly Invitae), Labcorp
Classification: Uncertain significance for Renal cell carcinoma. Last evaluated: 2024-07-13. Review status: criteria provided, single submitter. Criteria: Invitae Variant Classification Sherloc (09022015). Collection method: clinical testing. Allele origin: germline.
Comment: This sequence change replaces methionine, which is neutral and non-polar, with leucine, which is neutral and non-polar, at codon 118 of the MET protein (p.Met118Leu). This variant is not present in population databases (gnomAD no frequency). This variant has not been reported in the literature in individuals affected with MET-related conditions. Advanced modeling of protein sequence and biophysical properties (such as structural, functional, and spatial information, amino acid conservation, physicochemical variation, residue mobility, and thermodynamic stability) performed at Invitae indicates that this missense variant is not expected to disrupt MET protein function with a negative predictive value of 80%. In summary, the available evidence is currently insufficient to determine the role of this variant in disease. Therefore, it has been classified as a Variant of Uncertain Significance.